The following is an entry in ClinVar:

NM_006231.4(POLE):c.1264C>T (p.His422Tyr)

Gene: POLE (DNA polymerase epsilon, catalytic subunit; minus strand). Cytogenetic location: 12q24.33.
Variant type: single nucleotide variant.
Coding change: c.1264C>T on transcript NM_006231.4 (MANE Select); coding-DNA position 1264, C replaced by T.
Protein change: p.His422Tyr; replaces histidine 422 with tyrosine.
Molecular consequence: missense variant.
Genome position (GRCh38, 1-based): chr12:132,673,670, G>A on the plus strand (C>T on the coding strand, the complement: POLE is on the minus strand). VCF-style: chr12-132673670-G-A. GRCh37 (hg19) VCF-style: chr12-133250256-G-A.
Other names: short protein forms H422Y.
Identifiers: ClinVar variation 240384 (VCV000240384.21), dbSNP rs745356467, ClinGen allele CA6894021.

ClinVar aggregate classification (germline): Uncertain significance. Review status: criteria provided, multiple submitters, no conflicts (2 of 4 stars). 5 submissions from 5 submitters: Uncertain significance (5). Last evaluated 2026-01-08.

Conditions:
Colorectal cancer, susceptibility to, 12 (CRCS12). Also called: COLORECTAL CANCER, SUSCEPTIBILITY TO, ON CHROMOSOME 12q24. Identifiers: Orphanet 220460, MedGen C3554460, MONDO:0014038, OMIM 615083.
Hereditary cancer-predisposing syndrome. Also called: Tumor predisposition; Hereditary neoplastic syndrome; Hereditary Cancer Syndrome; Neoplastic Syndromes, Hereditary. Identifiers: Orphanet 140162, MedGen C0027672, MeSH D009386, MONDO:0015356.

Allele frequency attached by ClinVar (database versions not stated): TOPMed 0.00001; ExAC 0.00004; gnomAD exomes 0.00004.

Submissions (5):

Ambry Genetics
Classification: Uncertain significance for Hereditary cancer-predisposing syndrome. Last evaluated: 2026-01-08. Review status: criteria provided, single submitter. Criteria: Ambry Variant Classification Scheme 2023. Collection method: clinical testing. Allele origin: germline.
Comment: The p.H422Y variant (also known as c.1264C>T), located in coding exon 13 of the POLE gene, results from a C to T substitution at nucleotide position 1264. The histidine at codon 422 is replaced by tyrosine, an amino acid with similar properties. This alteration has been identified in an individual with endometrial cancer (McConechy M et al. Clin. Cancer Res. 2016 06;22(12):2865-73). This amino acid position is highly conserved in available vertebrate species. In addition, the in silico prediction for this alteration is inconclusive. Based on the available evidence, the clinical significance of this variant remains unclear.

GeneDx
Classification: Uncertain significance. Last evaluated: 2025-04-18. Review status: criteria provided, single submitter. Criteria: GeneDx Variant Classification Process June 2021. Collection method: clinical testing. Allele origin: germline. Affected: yes.
Comment: In silico analysis indicates that this missense variant does not alter protein structure/function; This variant is associated with the following publications: (PMID: 29056344, 25124163, 20951805, 11988770, 26763250)

Labcorp Genetics (formerly Invitae), Labcorp
Classification: Uncertain significance. Last evaluated: 2024-11-27. Review status: criteria provided, single submitter. Criteria: Invitae Variant Classification Sherloc (09022015). Collection method: clinical testing. Allele origin: germline.
Comment: This sequence change replaces histidine, which is basic and polar, with tyrosine, which is neutral and polar, at codon 422 of the POLE protein (p.His422Tyr). This variant is present in population databases (rs745356467, gnomAD 0.01%). This missense change has been observed in individual(s) with endometrial cancer (PMID: 26763250). ClinVar contains an entry for this variant (Variation ID: 240384). Invitae Evidence Modeling of protein sequence and biophysical properties (such as structural, functional, and spatial information, amino acid conservation, physicochemical variation, residue mobility, and thermodynamic stability) indicates that this missense variant is expected to disrupt POLE protein function with a positive predictive value of 80%. In summary, the available evidence is currently insufficient to determine the role of this variant in disease. Therefore, it has been classified as a Variant of Uncertain Significance.

Baylor Genetics
Classification: Uncertain significance for Colorectal cancer, susceptibility to, 12. Last evaluated: 2024-02-29. Review status: criteria provided, single submitter. Criteria: ACMG Guidelines, 2015. Collection method: clinical testing. Allele origin: unknown.

Sema4
Classification: Uncertain significance for Hereditary cancer-predisposing syndrome. Last evaluated: 2021-04-21. Review status: criteria provided, single submitter. Criteria: Sema4 Curation Guidelines. Collection method: curation. Allele origin: germline.
Comment: The POLE c.1264C>T (p.H422Y) variant has been reported in heterozygosity in an individual affected with endometrial carcinoma (PMID: 26763250) and as a somatic variant in tumor samples of 3 individuals with colorectal cancer (PMID: 25124163). This variant was observed in 5/34576 chromosomes of the Latino subpopulation in the large and broad populations by the Genome Aggregation Database (PMID: 32461654). The subpopulation frequency of this variant is higher than expected for a pathogenic variant based on disease/syndrome prevalence and penetrance. The variant has been reported in ClinVar (Variation ID: 240384). In silico tools suggest the impact of the variant on protein function is inconclusive, though these predictions have not been confirmed by functional studies. Therefore, taking all available lines of evidence into consideration, the variant is classified as a VUS, until segregation, case-control and functional studies become available.

Literature cited by the submitters: PubMed 26763250 (cited by Labcorp Genetics (formerly Invitae), Labcorp and Sema4).